The following is an entry in ClinVar:

NM_001048174.2(MUTYH):c.914C>A (p.Ala305Asp)

Gene: MUTYH (mutY DNA glycosylase; minus strand). Cytogenetic location: 1p34.1.
Variant type: single nucleotide variant.
Coding change: c.914C>A on transcript NM_001048174.2 (MANE Select); coding-DNA position 914, C replaced by A.
Protein change: p.Ala305Asp; replaces alanine 305 with aspartic acid.
Molecular consequence: missense variant. On other transcripts: non-coding transcript variant (7).
Genome position (GRCh38, 1-based): chr1:45,331,849, G>T on the plus strand (C>A on the coding strand, the complement: MUTYH is on the minus strand). VCF-style: chr1-45331849-G-T. GRCh37 (hg19) VCF-style: chr1-45797521-G-T.
Other names: c.914C>A, p.Ala305Asp (NM_001407081.1, NM_001407088.1, NM_001407089.1 and 6 more transcripts); c.569C>A, p.Ala190Asp (NM_001407082.1, NM_001350650.2, NM_001350651.2); c.956C>A, p.Ala319Asp (NM_001407083.1, NM_001407085.1); c.917C>A, p.Ala306Asp (NM_001407086.1, NM_001048172.2, NM_001407071.1 and 1 more transcripts); c.935C>A, p.Ala312Asp (NM_001407087.1); c.638C>A, p.Ala213Asp (NM_001407091.1, NM_001293192.2, NM_001293196.2); c.989C>A, p.Ala330Asp (NM_012222.3); c.998C>A, p.Ala333Asp (NM_001128425.2); and 5 more; short protein forms A213D, A316D, A320D, A277D, A292D, A319D, A330D, A333D.
Identifiers: ClinVar variation 4113994 (VCV004113994.1).

ClinVar aggregate classification (germline): Uncertain significance (1 of 4 stars; one submission).

Conditions:
Hereditary cancer-predisposing syndrome. Also called: Hereditary neoplastic syndrome; Neoplastic Syndromes, Hereditary; Tumor predisposition; Hereditary Cancer Syndrome. Identifiers: Orphanet 140162, MedGen C0027672, MeSH D009386, MONDO:0015356.

gnomAD v4.1: 2 of 1,600,714 alleles (0.00012%); highest among the groups gnomAD compares: Middle Eastern, 0.017%; no homozygotes.

Submission:

Ambry Genetics
Classification: Uncertain significance for Hereditary cancer-predisposing syndrome. Last evaluated: 2025-08-27. Review status: criteria provided, single submitter. Criteria: Ambry Variant Classification Scheme 2023. Collection method: clinical testing. Allele origin: germline.
Comment: The p.A333D variant (also known as c.998C>A) is located in coding exon 12 of the MUTYH gene. The alanine at codon 333 is replaced by aspartic acid, an amino acid with dissimilar properties. This change occurs in the first base pair of coding exon 12. This amino acid position is conserved. In addition, this alteration is predicted to be tolerated by in silico analysis. Based on the available evidence, the clinical significance of this variant remains unclear.